The following is an entry in ClinVar:

NM_005188.4(CBL):c.1408A>C (p.Met470Leu)

Gene: CBL (Cbl proto-oncogene; plus strand). Cytogenetic location: 11q23.3.
Variant type: single nucleotide variant.
Coding change: c.1408A>C on transcript NM_005188.4 (MANE Select); coding-DNA position 1408, A replaced by C.
Protein change: p.Met470Leu; replaces methionine 470 with leucine.
Molecular consequence: missense variant.
Genome position (GRCh38, 1-based): chr11:119,278,690, A>C. VCF-style: chr11-119278690-A-C. GRCh37 (hg19) VCF-style: chr11-119149400-A-C.
Other names: short protein forms M470L.
Identifiers: ClinVar variation 3827791 (VCV003827791.1).

ClinVar aggregate classification (germline): Uncertain significance (1 of 4 stars; one submission).

Conditions:
Cardiovascular phenotype. Identifiers: MedGen CN230736.

Submission:

Ambry Genetics
Classification: Uncertain significance for Cardiovascular phenotype. Last evaluated: 2024-12-21. Review status: criteria provided, single submitter. Criteria: Ambry Variant Classification Scheme 2023. Collection method: clinical testing. Allele origin: germline.
Comment: The p.M470L variant (also known as c.1408A>C), located in coding exon 9 of the CBL gene, results from an A to C substitution at nucleotide position 1408. The methionine at codon 470 is replaced by leucine, an amino acid with highly similar properties. This amino acid position is conserved. In addition, this alteration is predicted to be tolerated by in silico analysis. Based on the available evidence, the clinical significance of this variant remains unclear.